The following is an entry in ClinVar:

NM_001364905.1(LRBA):c.2067+1G>A

Gene: LRBA (LPS responsive beige-like anchor protein; minus strand). Cytogenetic location: 4q31.3.
Variant type: single nucleotide variant.
Coding change: c.2067+1G>A on transcript NM_001364905.1 (MANE Select); the canonical splice donor site of the intron after coding-DNA position 2067, G replaced by A.
Molecular consequence: splice donor variant.
Genome position (GRCh38, 1-based): chr4:150,896,393, C>T on the plus strand (G>A on the coding strand, the complement: LRBA is on the minus strand). VCF-style: chr4-150896393-C-T. GRCh37 (hg19) VCF-style: chr4-151817545-C-T.
Other names: c.2067+1G>A (NM_001367550.1, NM_006726.5, NM_001199282.3 and 2 more transcripts).
Identifiers: ClinVar variation 4293305 (VCV004293305.1).

ClinVar aggregate classification (germline): Pathogenic (1 of 4 stars; one submission).

Conditions:
Combined immunodeficiency due to LRBA deficiency. Also called: Common variable immunodeficiency 8, with autoimmunity. Identifiers: Orphanet 445018, MedGen C3553512, MONDO:0013863, OMIM 614700.

gnomAD v4.1: 1 of 1,464,782 alleles (0.000068%); highest among the groups gnomAD compares: Non-Finnish European, 0.000094%; no homozygotes.

Submission:

3billion
Classification: Pathogenic for Combined immunodeficiency due to LRBA deficiency. Last evaluated: 2024-09-05. Review status: criteria provided, single submitter. Criteria: ACMG Guidelines, 2015. Collection method: clinical testing. Allele origin: germline. Affected: yes.
Comment: The variant is observed at an extremely low frequency in the gnomAD v4.0.0 dataset (total allele frequency: <0.001%). Predicted Consequence/Location: Canonical splice site: predicted to alter splicing and result in a loss or disruption of normal protein function. Multiple pathogenic loss-of-function variants are reported downstream of the variant. In silico tools predict the variant to alter splicing and produce an abnormal transcript [SpliceAI: 0.98 (spliceogenicity >=0.2, non-spliceogenicity <0.1)]. Therefore, this variant is classified as Pathogenic according to the recommendation of ACMG/AMP guideline.